The following is an entry in ClinVar:

NM_001009944.3(PKD1):c.796C>T (p.Gln266Ter)

Gene: PKD1 (polycystin 1, transient receptor potential channel interacting; minus strand). Cytogenetic location: 16p13.3.
Variant type: single nucleotide variant.
Coding change: c.796C>T on transcript NM_001009944.3 (MANE Select); coding-DNA position 796, C replaced by T.
Protein change: p.Gln266Ter; replaces glutamine 266 with a stop codon.
Molecular consequence: nonsense.
Genome position (GRCh38, 1-based): chr16:2,118,196, G>A on the plus strand (C>T on the coding strand, the complement: PKD1 is on the minus strand). VCF-style: chr16-2118196-G-A. GRCh37 (hg19) VCF-style: chr16-2168197-G-A.
Other names: c.796C>T, p.Gln266Ter (NM_000296.4); short protein forms Q266*.
Identifiers: ClinVar variation 3148956 (VCV003148956.6), dbSNP rs2151823901, ClinGen allele CA394394207.
Genomic context (GRCh38, chr16:2,118,196, plus strand): 5'-AGGCCAGAGGTCCGTGGGGCCCCACCAGGGTGGCCCCTGGGGAGGCAGGGAAGACGTGCT[G>A]GAGGAGGGTGGGGCCCCTACAGGTGGGGGCAGGAGGTGGCGGGGGGCCGGAGCAGAGGGA-3'

ClinVar aggregate classification (germline): Pathogenic. Review status: criteria provided, multiple submitters, no conflicts (2 of 4 stars). 6 submissions from 6 submitters: Pathogenic (6). Last evaluated 2025-12-05.

Conditions:
Polycystic kidney disease, adult type (PKD1). Also called: Polycystic Kidney Disease 1, Autosomal Dominant; Polycystic kidney disease 1; Polycystic kidney disease 1, severe; POLYCYSTIC KIDNEY DISEASE, ADULT, TYPE I; Polycystic Kidney, Autosomal Dominant; POLYCYSTIC KIDNEY DISEASE 1 WITH OR WITHOUT POLYCYSTIC LIVER DISEASE. Identifiers: MedGen C3149841, MONDO:0008263, OMIM 173900.
PKD1-related disorder. Also called: PKD1-related condition.

Allele frequency attached by ClinVar (database versions not stated): 1000 Genomes Project 30x 0.00016.

Submissions (6):

Dasa
Classification: Pathogenic for Polycystic kidney disease, adult type. Last evaluated: 2025-12-05. Review status: criteria provided, single submitter. Criteria: DASA Assertion Criteria. Collection method: clinical testing. Allele origin: germline.
Comment: NM_001009944.3(PKD1):c.796C>T (p.Gln266*) introduces a premature termination codon predicted to result in loss of normal protein function. Loss-of-function is an established mechanism of disease for this gene. This variant has been recurrently observed in individuals with Polycystic kidney disease, adult type (PMID: 22383692; PMID: 21551026; PMID: 11967008). The variant is present at low frequency in population datasets. Based on the available data, this variant is classified as pathogenic.

Department of Human Genetics, Hannover Medical School
Classification: Pathogenic for Polycystic kidney disease, adult type. Last evaluated: 2025-11-07. Review status: criteria provided, single submitter. Criteria: ACMG Guidelines, 2015. Collection method: clinical testing. Allele origin: germline. Affected: yes.
Comment: PVS1, PM2_Supporting, PP4_Strong

Women's Health and Genetics/Laboratory Corporation of America, LabCorp
Classification: Pathogenic for Polycystic kidney disease, adult type. Last evaluated: 2025-06-23. Review status: criteria provided, single submitter. Criteria: LabCorp Variant Classification Summary - May 2015. Collection method: clinical testing. Allele origin: germline.
Comment: Variant summary: PKD1 c.796C>T (p.Gln266X) results in a premature termination codon, predicted to cause a truncation of the encoded protein or absence of the protein due to nonsense mediated decay, which are commonly known mechanisms for disease. The variant was absent in 176010 control chromosomes. c.796C>T has been observed in individual(s) affected with autosomal dominant Polycystic Kidney Disease 1 (e.g. Rossetti_2002). The following publication has been ascertained in the context of this evaluation (PMID: 11967008). ClinVar contains an entry for this variant (Variation ID: 3148956). Based on the evidence outlined above, the variant was classified as pathogenic.

PreventionGenetics, part of Exact Sciences
Classification: Pathogenic for PKD1-related condition. Last evaluated: 2025-03-31. Review status: criteria provided, single submitter. Criteria: ACMG Guidelines, 2015. Collection method: clinical testing. Allele origin: germline.
Comment: The PKD1 c.796C>T variant is predicted to result in premature protein termination (p.Gln266*). This variant was reported in an individual with autosomal dominant polycystic kidney disease (ADPKD) (Rossetti et al. 2002. PubMed ID: 11967008). This variant has not been reported in a large population database (gnomAD), indicating this variant is rare. Nonsense variants in PKD1 are expected to be pathogenic. This variant is interpreted as pathogenic.

Fulgent Genetics
Classification: Pathogenic for Polycystic kidney disease, adult type. Last evaluated: 2024-05-31. Review status: criteria provided, single submitter. Criteria: ACMG Guidelines, 2015. Collection method: clinical testing. Allele origin: germline.

Institute of Medical Genetics and Applied Genomics, University Hospital Tübingen
Classification: Pathogenic for Polycystic kidney disease, adult type. Last evaluated: 2024-04-23. Review status: criteria provided, single submitter. Criteria: ACMG Guidelines, 2015. Collection method: clinical testing. Allele origin: germline. Inheritance: Autosomal dominant inheritance. Affected: yes.

Literature cited by the submitters: PubMed 22383692 (cited by Dasa); PubMed 21551026 (cited by Dasa); PubMed 11967008 (cited by Dasa and Women's Health and Genetics/Laboratory Corporation of America, LabCorp).